The following is an entry in ClinVar:

NM_000755.5(CRAT):c.895G>A (p.Val299Met)

Gene: CRAT (carnitine O-acetyltransferase; minus strand). Cytogenetic location: 9q34.11.
Variant type: single nucleotide variant.
Coding change: c.895G>A on transcript NM_000755.5 (MANE Select); coding-DNA position 895, G replaced by A.
Protein change: p.Val299Met; replaces valine 299 with methionine.
Molecular consequence: missense variant.
Genome position (GRCh38, 1-based): chr9:129,100,600, C>T on the plus strand (G>A on the coding strand, the complement: CRAT is on the minus strand). VCF-style: chr9-129100600-C-T. GRCh37 (hg19) VCF-style: chr9-131862879-C-T.
Other names: c.832G>A, p.Val278Met (NM_001257363.3, NM_001346548.2, NM_004003.4); c.898G>A, p.Val300Met (NM_001346546.2); c.895G>A, p.Val299Met (NM_001346547.2); c.775G>A, p.Val259Met (NM_001346549.2); short protein forms V278M, V299M, V300M, V259M.
Identifiers: ClinVar variation 1914266 (VCV001914266.5), dbSNP rs552235102, ClinGen allele CA5275580.
Genomic context (GRCh38, chr9:129,100,600, plus strand): 5'-CGCTGTTGAGCCTGCTGCCGCCCCCATGCAGCATCTGGCCTGCCACGTGGCTGCGGTACA[C>T]GTCTTCTGAGACCCTGGGCATGGTTGCATCTAGGCACACGGTGAAGATGCTCTTCTGGAT-3'
Protein context (NP_000746.3, residues 289-309): DATMPRVSED[Val299Met]YRSHVAGQML

ClinVar aggregate classification (germline): Uncertain significance (1 of 4 stars; one submission).

Allele frequency attached by ClinVar (database versions not stated): gnomAD 0.00002; gnomAD exomes 0.00008; 1000 Genomes Project 30x 0.00016; 1000 Genomes Project 0.00020; ExAC 0.00020.
gnomAD v4.1: 118 of 1,614,094 alleles (0.0073%); highest among the groups gnomAD compares: South Asian, 0.11%; 2 homozygotes.

Submission:

Labcorp Genetics (formerly Invitae), Labcorp
Classification: Uncertain significance. Last evaluated: 2025-05-21. Review status: criteria provided, single submitter. Criteria: Invitae Variant Classification Sherloc (09022015). Collection method: clinical testing. Allele origin: germline.
Comment: This sequence change replaces valine, which is neutral and non-polar, with methionine, which is neutral and non-polar, at codon 299 of the CRAT protein (p.Val299Met). This variant is present in population databases (rs552235102, gnomAD 0.1%), and has an allele count higher than expected for a pathogenic variant. This variant has not been reported in the literature in individuals affected with CRAT-related conditions. ClinVar contains an entry for this variant (Variation ID: 1914266). Invitae Evidence Modeling of protein sequence and biophysical properties (such as structural, functional, and spatial information, amino acid conservation, physicochemical variation, residue mobility, and thermodynamic stability) indicates that this missense variant is not expected to disrupt CRAT protein function with a negative predictive value of 80%. In summary, the available evidence is currently insufficient to determine the role of this variant in disease. Therefore, it has been classified as a Variant of Uncertain Significance.